The following is an entry in ClinVar:

NM_014727.3(KMT2B):c.2762G>A (p.Arg921Gln)

Gene: KMT2B (lysine methyltransferase 2B; plus strand). Cytogenetic location: 19q13.12.
Variant type: single nucleotide variant.
Coding change: c.2762G>A on transcript NM_014727.3 (MANE Select); coding-DNA position 2762, G replaced by A.
Protein change: p.Arg921Gln; replaces arginine 921 with glutamine.
Molecular consequence: missense variant.
Genome position (GRCh38, 1-based): chr19:35,723,034, G>A. VCF-style: chr19-35723034-G-A. GRCh37 (hg19) VCF-style: chr19-36213936-G-A.
Other names: c.2762G>A (NM_014727.1); short protein forms R921Q.
Identifiers: ClinVar variation 1946935 (VCV001946935.5), dbSNP rs756142195, ClinGen allele CA9384569.

ClinVar aggregate classification (germline): Uncertain significance. Review status: criteria provided, multiple submitters, no conflicts (2 of 4 stars). 2 submissions from 2 submitters: Uncertain significance (2). Last evaluated 2024-07-27.

Conditions:
Inborn genetic diseases. Identifiers: MedGen C0950123, MeSH D030342.

Allele frequency attached by ClinVar (database versions not stated): ExAC 0.00001; gnomAD exomes 0.00001; TOPMed 0.00002; gnomAD 0.00003.
gnomAD v4.1: 23 of 1,611,060 alleles (0.0014%); highest among the groups gnomAD compares: East Asian, 0.0022%; no homozygotes.

Submissions (2):

Ambry Genetics
Classification: Uncertain significance for Inborn genetic diseases. Last evaluated: 2024-07-27. Review status: criteria provided, single submitter. Criteria: Ambry Variant Classification Scheme 2023. Collection method: clinical testing. Allele origin: germline.

Labcorp Genetics (formerly Invitae), Labcorp
Classification: Uncertain significance. Last evaluated: 2022-09-30. Review status: criteria provided, single submitter. Criteria: Invitae Variant Classification Sherloc (09022015). Collection method: clinical testing. Allele origin: germline.
Comment: This sequence change replaces arginine, which is basic and polar, with glutamine, which is neutral and polar, at codon 921 of the KMT2B protein (p.Arg921Gln). In summary, the available evidence is currently insufficient to determine the role of this variant in disease. Therefore, it has been classified as a Variant of Uncertain Significance. Advanced modeling of protein sequence and biophysical properties (such as structural, functional, and spatial information, amino acid conservation, physicochemical variation, residue mobility, and thermodynamic stability) performed at Invitae indicates that this missense variant is not expected to disrupt KMT2B protein function. This variant has not been reported in the literature in individuals affected with KMT2B-related conditions. The frequency data for this variant in the population databases is considered unreliable, as metrics indicate poor data quality at this position in the gnomAD database.